The following is an entry in ClinVar:

NM_003104.6(SORD):c.298C>T (p.Arg100Ter)

Gene: SORD (sorbitol dehydrogenase; plus strand). Cytogenetic location: 15q21.1.
Variant type: single nucleotide variant.
Coding change: c.298C>T on transcript NM_003104.6 (MANE Select); coding-DNA position 298, C replaced by T.
Protein change: p.Arg100Ter; replaces arginine 100 with a stop codon.
Molecular consequence: nonsense. On other transcripts: non-coding transcript variant (1).
Genome position (GRCh38, 1-based): chr15:45,061,099, C>T. VCF-style: chr15-45061099-C-T. GRCh37 (hg19) VCF-style: chr15-45353297-C-T.
Other names: short protein forms R100*.
Identifiers: ClinVar variation 1678863 (VCV001678863.4), dbSNP rs535669510, ClinGen allele CA7537136.

ClinVar aggregate classification (germline): Pathogenic (1 of 4 stars; one submission).

Allele frequency attached by ClinVar (database versions not stated): TOPMed 0.00027; gnomAD 0.00029 and 0.00030; ExAC 0.00001; gnomAD exomes 0.00003 and 0.00008.
gnomAD v4.1: 90 of 1,614,132 alleles (0.0056%); highest among the groups gnomAD compares: Admixed American, 0.093%; 1 homozygote.

Submission:

GeneDx
Classification: Pathogenic. Last evaluated: 2026-02-04. Review status: criteria provided, single submitter. Criteria: GeneDx Variant Classification Process June 2021. Collection method: clinical testing. Allele origin: germline. Affected: yes.
Comment: Nonsense variant predicted to result in protein truncation or nonsense mediated decay in a gene for which loss of function is a known mechanism of disease; This variant is associated with the following publications: (PMID: 34819907, 35982159, 36431311, 32367058, 35419909, 36943151, 39938083)